The following is an entry in ClinVar:

ClinVar aggregate classification (germline): Uncertain significance (1 of 4 stars; one submission).

Conditions:
Congenital glucose-galactose malabsorption (GGM). Also called: DIARRHEA 16; MONOSACCHARIDE MALABSORPTION. Identifiers: Orphanet 35710, MedGen C0268186, MONDO:0011731, OMIM 606824.

Submission:

Labcorp Genetics (formerly Invitae), Labcorp
Classification: Uncertain significance for Congenital glucose-galactose malabsorption. Last evaluated: 2022-07-16. Review status: criteria provided, single submitter. Criteria: Invitae Variant Classification Sherloc (09022015). Collection method: clinical testing. Allele origin: germline.
Comment: This sequence change affects codon 665 of the SLC5A1 mRNA. It is a 'silent' change, meaning that it does not change the encoded amino acid sequence of the SLC5A1 protein. This variant is not present in population databases (gnomAD no frequency). This variant has not been reported in the literature in individuals affected with SLC5A1-related conditions. In summary, the available evidence is currently insufficient to determine the role of this variant in disease. Therefore, it has been classified as a Variant of Uncertain Significance.

NM_000343.4(SLC5A1):c.1994G>A (p.Ter665=)

Gene: SLC5A1 (solute carrier family 5 member 1; plus strand). Cytogenetic location: 22q12.3.
Variant type: single nucleotide variant.
Coding change: c.1994G>A on transcript NM_000343.4 (MANE Select); coding-DNA position 1994, G replaced by A.
Protein change: p.Ter665=.
Molecular consequence: synonymous variant.
Genome position (GRCh38, 1-based): chr22:32,110,212, G>A. VCF-style: chr22-32110212-G-A. GRCh37 (hg19) VCF-style: chr22-32506199-G-A.
Other names: c.1613G>A, p.Ter538= (NM_001256314.2).
Identifiers: ClinVar variation 2017658 (VCV002017658.1), dbSNP rs2149499988, ClinGen allele CA514277590.